The following is an entry in ClinVar:

NM_000218.3(KCNQ1):c.1038del (p.Gly348fs)

Gene: KCNQ1 (potassium voltage-gated channel subfamily Q member 1; plus strand). Cytogenetic location: 11p15.5.
Variant type: Deletion.
Coding change: c.1038del on transcript NM_000218.3 (MANE Select); coding-DNA position 1038, one base deleted (T; older notation c.1038delT).
Protein change: p.Gly348fs; shifts the reading frame from glycine 348.
Molecular consequence: frameshift variant. On other transcripts: intron variant (2).
Genome position (GRCh38, 1-based): chr11:2,585,217, T deleted; the last of 2 consecutive T bases (chr11:2,585,216-2,585,217); deleting either gives the same sequence. VCF-style (leftmost placement, unchanged base first): chr11-2585215-AT-A. GRCh37 (hg19) VCF-style: chr11-2606445-AT-A.
Other names: c.768del, p.Gly258fs (NM_001406837.1); c.657del, p.Gly221fs (NM_181798.2); c.1032+1672del (NM_001406836.1); c.588+1672del (NM_001406838.1); short protein forms G221fs, G258fs, G348fs.
Identifiers: ClinVar variation 2807267 (VCV002807267.5), dbSNP rs2493700660, ClinGen allele CA2739276106.

ClinVar aggregate classification (germline): Pathogenic/Likely pathogenic. Review status: criteria provided, multiple submitters, no conflicts (2 of 4 stars). 2 submissions from 2 submitters: Pathogenic (1); Likely pathogenic (1). Last evaluated 2024-11-01.

Conditions:
Long QT syndrome (LQTS). Identifiers: MedGen C0023976, MeSH D008133, MONDO:0002442. Disease mechanism: loss of function. Inheritance: Various modes of inheritance.

Submissions (2):

Dasa
Classification: Likely pathogenic. Last evaluated: 2024-11-01. Review status: criteria provided, single submitter. Criteria: DASA Assertion Criteria. Collection method: clinical testing. Allele origin: germline.
Comment: NM_000218.3(KCNQ1):c.1038del (p.Gly348Alafs*6) is a frameshift variant in KCNQ1 predicted to alter the reading frame and introduce a premature termination codon and is predicted to result in an absent or altered protein product. Loss of function is an established disease mechanism for KCNQ1 (PMID: 26669661; PMID: 29532034; PMID: 23098067). Also, this variant is absent from population databases. Based on the currently available evidence, this variant is classified as likely pathogenic.

Labcorp Genetics (formerly Invitae), Labcorp
Classification: Pathogenic for Long QT syndrome. Last evaluated: 2022-12-08. Review status: criteria provided, single submitter. Criteria: Invitae Variant Classification Sherloc (09022015). Collection method: clinical testing. Allele origin: germline.
Comment: For these reasons, this variant has been classified as Pathogenic. This variant has not been reported in the literature in individuals affected with KCNQ1-related conditions. This variant is not present in population databases (gnomAD no frequency). This sequence change creates a premature translational stop signal (p.Gly348Alafs*6) in the KCNQ1 gene. It is expected to result in an absent or disrupted protein product. Loss-of-function variants in KCNQ1 are known to be pathogenic (PMID: 9323054, 19862833).

Literature cited by the submitters: PubMed 26669661 (cited by Dasa); PubMed 29532034 (cited by Dasa); PubMed 23098067 (cited by Dasa); PubMed 9323054 (cited by Labcorp Genetics (formerly Invitae), Labcorp); PubMed 19862833 (cited by Labcorp Genetics (formerly Invitae), Labcorp).